The following is an entry in ClinVar:

NM_001080449.3(DNA2):c.1058-13dup

Gene: DNA2 (DNA replication helicase/nuclease 2; minus strand). Cytogenetic location: 10q21.3.
Variant type: Duplication.
Coding change: c.1058-13dup on transcript NM_001080449.3 (MANE Select); 13 bases into the intron before coding-DNA position 1058, one base duplicated (T; older notation c.1058-13dupT).
Molecular consequence: intron variant.
Genome position (GRCh38, 1-based): chr10:68,445,089, A duplicated on the plus strand (T on the coding strand, the reverse complement: DNA2 is on the minus strand); the first of 8 consecutive A bases (chr10:68,445,089-68,445,096); duplicating any one gives the same sequence. VCF-style (leftmost placement, unchanged base first): chr10-68445088-G-GA. GRCh37 (hg19) VCF-style: chr10-70204845-G-GA.
Other names: c.1058-6dupT (NM_001080449.2).
Identifiers: ClinVar variation 420399 (VCV000420399.6), dbSNP rs201474338, ClinGen allele CA5525139.

ClinVar aggregate classification (germline): Benign/Likely benign. Review status: criteria provided, multiple submitters, no conflicts (2 of 4 stars). 3 submissions from 3 submitters: Benign (1); Likely benign (2). Last evaluated 2025-05-18.

Conditions:
DNA2-related disorder. Also called: DNA2-related condition.

Submissions (3):

PreventionGenetics, part of Exact Sciences
Classification: Likely benign for DNA2-related condition. Last evaluated: 2025-05-18. Review status: criteria provided, single submitter. Criteria: ACMG Guidelines, 2015. Collection method: clinical testing. Allele origin: germline.
Comment: This variant is classified as likely benign based on ACMG/AMP sequence variant interpretation guidelines (Richards et al. 2015 PMID: 25741868, with internal and published modifications).

Labcorp Genetics (formerly Invitae), Labcorp
Classification: Benign. Last evaluated: 2023-12-14. Review status: criteria provided, single submitter. Criteria: Invitae Variant Classification Sherloc (09022015). Collection method: clinical testing. Allele origin: germline.

GeneDx
Classification: Likely benign. Last evaluated: 2017-04-15. Review status: criteria provided, single submitter. Criteria: GeneDx Variant Classification (06012015). Collection method: clinical testing. Allele origin: germline. Affected: yes.
Comment: This variant is considered likely benign or benign based on one or more of the following criteria: it is a conservative change, it occurs at a poorly conserved position in the protein, it is predicted to be benign by multiple in silico algorithms, and/or has population frequency not consistent with disease.